The following is an entry in ClinVar:

ClinVar aggregate classification (germline): Conflicting classifications of pathogenicity. Review status: criteria provided, conflicting classifications (1 of 4 stars). 19 submissions from 19 submitters: Uncertain significance (1); Benign (3); Likely benign (9). 6 of the submissions do not count toward it. Last evaluated 2026-03-01.

Conditions:
MYH6-related disorder. Also called: MYH6-related condition; MYH6-Related Disorders.
Cardiovascular phenotype. Identifiers: MedGen CN230736.
Cardiomyopathy (CMYO). Also called: Cardiomyopathies. Identifiers: Orphanet 167848, MedGen C0878544, MONDO:0004994, HP:0001638. Inheritance: Various modes of inheritance.
Hypertrophic cardiomyopathy 14. Identifiers: MedGen C2750467, MONDO:0013197, OMIM 613251.

Allele frequency attached by ClinVar (database versions not stated): 1000 Genomes Project 0.00060; 1000 Genomes Project 30x 0.00062; TOPMed 0.00130; gnomAD 0.00146 and 0.00153; ESP Exome Variant Server 0.00169.
gnomAD v4.1: 3,726 of 1,614,158 alleles (0.23%); highest among the groups gnomAD compares: Non-Finnish European, 0.28%; 3 homozygotes.

Submissions (19):

CeGaT Center for Human Genetics Tuebingen
Classification: Benign. Last evaluated: 2026-03-01. Review status: criteria provided, single submitter. Criteria: CeGaT Center For Human Genetics Tuebingen Variant Classification Criteria Version 2. Collection method: clinical testing. Allele origin: germline. Affected: yes. Observed: 5 variant alleles.
Comment: MYH6: BS1, BS2

Labcorp Genetics (formerly Invitae), Labcorp
Classification: Likely benign for Hypertrophic cardiomyopathy 14. Last evaluated: 2026-02-03. Review status: criteria provided, single submitter. Criteria: Invitae Variant Classification Sherloc (09022015). Collection method: clinical testing. Allele origin: germline.

Blueprint Genetics
Classification: Likely benign. Last evaluated: 2024-11-19. Review status: criteria provided, single submitter. Criteria: ACMG Guidelines, 2015. Collection method: clinical testing. Allele origin: germline.

Ambry Genetics
Classification: Likely benign for Cardiovascular phenotype. Last evaluated: 2024-09-26. Review status: criteria provided, single submitter. Criteria: Ambry Variant Classification Scheme 2023. Collection method: clinical testing. Allele origin: germline.

GeneDx
Classification: Likely benign. Last evaluated: 2021-04-14. Review status: criteria provided, single submitter. Criteria: GeneDx Variant Classification Process June 2021. Collection method: clinical testing. Allele origin: germline. Affected: yes.
Comment: This variant is associated with the following publications: (PMID: 22955375, 8282798, 26085007, 20656787, 23396983, 28074886, 27789736, 23861362, 27760138, 27607113, 26284702, 21378987, 22194935, 19864899, 19808347, 15998695, 14573521, 8878443, 2969919)

Women's Health and Genetics/Laboratory Corporation of America, LabCorp
Classification: Likely benign. Last evaluated: 2020-11-24. Review status: criteria provided, single submitter. Criteria: LabCorp Variant Classification Summary - May 2015. Collection method: clinical testing. Allele origin: germline.
Comment: Variant summary: MYH6 c.1763A>C (p.Asp588Ala) results in a non-conservative amino acid change located in the Myosin head, motor domain (IPR001609) of the encoded protein sequence. Three of five in-silico tools predict a benign effect of the variant on protein function. The variant allele was found at a frequency of 0.0018 in 252206 control chromosomes, predominantly at a frequency of 0.0032 within the Non-Finnish European subpopulation in the gnomAD database. The observed variant frequency within Non-Finnish European control individuals in the gnomAD database is approximately 128 fold of the estimated maximal expected allele frequency for a pathogenic variant in MYH6 causing Cardiomyopathy phenotype (2.5e-05), strongly suggesting that the variant is a benign polymorphism found primarily in populations of Non-Finnish European origin. c.1763A>C has been reported in the literature in individuals affected with Cardiomyopathy (Theis_2015, Lopes_2015, Christiansen_2016, Neubauer_2017, Mates_2018, Jaaskelainen_2019). These data do not allow any conclusion about variant significance. To our knowledge, no experimental evidence demonstrating an impact on protein function has been reported. Eight ClinVar submitters (evaluation after 2014) cite the variant as benign (1x), likely benign (6x) and uncertain significance (1x). Based on the evidence outlined above, the variant was classified as likely benign.

ARUP Laboratories, Molecular Genetics and Genomics, ARUP Laboratories
Classification: Likely benign. Last evaluated: 2020-08-17. Review status: criteria provided, single submitter. Criteria: ARUP Molecular Germline Variant Investigation Process. Collection method: clinical testing. Allele origin: germline.

Mendelics
Classification: Benign for Hypertrophic cardiomyopathy 14. Last evaluated: 2019-05-28. Review status: criteria provided, single submitter. Criteria: Mendelics Assertion Criteria 2017. Collection method: clinical testing. Allele origin: unknown.

CHEO Genetics Diagnostic Laboratory, Children's Hospital of Eastern Ontario
Classification: Benign for Cardiomyopathy. Last evaluated: 2019-05-10. Review status: criteria provided, single submitter. Criteria: ACMG Guidelines, 2015. Collection method: clinical testing. Allele origin: germline.

Molecular Diagnostic Laboratory for Inherited Cardiovascular Disease, Montreal Heart Institute
Classification: Likely benign. Last evaluated: 2016-09-08. Review status: criteria provided, single submitter. Criteria: ACMG Guidelines, 2015. Collection method: clinical testing. Allele origin: germline. Affected: yes.

Eurofins Ntd Llc (ga)
Classification: Likely benign. Last evaluated: 2015-06-05. Review status: criteria provided, single submitter. Criteria: EGL Classification Definitions 2015. Collection method: clinical testing. Allele origin: germline. Observed: 1 variant allele, 1 heterozygote.

Laboratory for Molecular Medicine, Mass General Brigham Personalized Medicine
Classification: Uncertain significance. Last evaluated: 2013-08-02. Review status: criteria provided, single submitter. Criteria: LMM Criteria. Collection method: clinical testing. Allele origin: germline. Observed: 3 variant alleles.
Comment: Variant classified as Uncertain Significance - Favor Benign. The Asp588Ala varia nt in MYH6 is present in 0.2% (19/8600) of European American chromosomes by the NHLBI Exome Sequencing Project (dbSNP rs142992 009). It has also been reported in 1 individual with CHD (Granados-Riveron 2010) . Computational analyses (biochemical amino acid properties, conservation, Align GVGD, PolyPhen2, and SIFT) do not provide strong support for or against an impac t to the protein. The variant?s population frequency suggests that it is more li kely benign but is too low to confidently rule out a disease-causing role. Addit ional information is needed to fully assess its clinical significance.

Biesecker Lab/Clinical Genomics Section, National Institutes of Health
Classification: Likely benign. Last evaluated: 2013-06-24. Review status: criteria provided, single submitter. Criteria: Ng et al. (Circ Cardiovasc Genet. 2013). Collection method: research. Allele origin: unknown. Observed: 3 variant alleles. Study: ClinSeq.
Comment: The study set was not selected for affection status in relation to any cancer. Pathogenicity categories were based on literature curation. See Pubmed ID:23861362 for details.

Medical sequencing

PreventionGenetics, part of Exact Sciences
Classification: Likely benign for MYH6-related condition. Last evaluated: 2020-10-26. Review status: no assertion criteria provided. Collection method: clinical testing. Allele origin: germline. Not counted in ClinVar's aggregate classification.
Comment: This variant is classified as likely benign based on ACMG/AMP sequence variant interpretation guidelines (Richards et al. 2015 PMID: 25741868, with internal and published modifications).

Clinical Genetics DNA and cytogenetics Diagnostics Lab, Erasmus MC, Erasmus Medical Center
Classification: Likely benign. Review status: no assertion criteria provided. Collection method: clinical testing. Allele origin: germline. Affected: yes. Study: VKGL Data-share Consensus. Not counted in ClinVar's aggregate classification.

Clinical Genetics, Academic Medical Center
Classification: Benign. Review status: no assertion criteria provided. Collection method: clinical testing. Allele origin: germline. Affected: yes. Study: VKGL Data-share Consensus. Not counted in ClinVar's aggregate classification.

Diagnostic Laboratory, Department of Genetics, University Medical Center Groningen
Classification: Likely benign. Review status: no assertion criteria provided. Collection method: clinical testing. Allele origin: germline. Affected: yes. Study: VKGL Data-share Consensus. Not counted in ClinVar's aggregate classification.

Genome Diagnostics Laboratory, University Medical Center Utrecht
Classification: Likely benign. Review status: no assertion criteria provided. Collection method: clinical testing. Allele origin: germline. Affected: yes. Study: VKGL Data-share Consensus. Not counted in ClinVar's aggregate classification.

Joint Genome Diagnostic Labs from Nijmegen and Maastricht, Radboudumc and MUMC+
Classification: Benign. Review status: no assertion criteria provided. Collection method: clinical testing. Allele origin: germline. Affected: yes. Study: VKGL Data-share Consensus. Not counted in ClinVar's aggregate classification.

Literature cited by the submitters: PubMed 26085007 (cited by Ambry Genetics and Women's Health and Genetics/Laboratory Corporation of America, LabCorp); PubMed 23861362 (cited by Women's Health and Genetics/Laboratory Corporation of America, LabCorp); PubMed 25351510 (cited by Women's Health and Genetics/Laboratory Corporation of America, LabCorp); PubMed 28074886 (cited by Women's Health and Genetics/Laboratory Corporation of America, LabCorp); PubMed 27789736 (cited by Women's Health and Genetics/Laboratory Corporation of America, LabCorp); PubMed 29511324 (cited by Women's Health and Genetics/Laboratory Corporation of America, LabCorp); PubMed 30775854 (cited by Women's Health and Genetics/Laboratory Corporation of America, LabCorp); PubMed 27650965 (cited by Women's Health and Genetics/Laboratory Corporation of America, LabCorp); PubMed 20656787 (cited by Laboratory for Molecular Medicine, Mass General Brigham Personalized Medicine).

NM_002471.4(MYH6):c.1763A>C (p.Asp588Ala)

Gene: MYH6 (myosin heavy chain 6; minus strand). Cytogenetic location: 14q11.2.
Variant type: single nucleotide variant.
Coding change: c.1763A>C on transcript NM_002471.4 (MANE Select); coding-DNA position 1763, A replaced by C.
Protein change: p.Asp588Ala; replaces aspartic acid 588 with alanine.
Molecular consequence: missense variant.
Genome position (GRCh38, 1-based): chr14:23,398,856, T>G on the plus strand (A>C on the coding strand, the complement: MYH6 is on the minus strand). VCF-style: chr14-23398856-T-G. GRCh37 (hg19) VCF-style: chr14-23868065-T-G.
Other names: short protein forms D588A.
Identifiers: ClinVar variation 155811 (VCV000155811.109), dbSNP rs142992009, ClinGen allele CA176961.